The following is an entry in ClinVar:

NM_000518.5(HBB):c.*47C>G

Genes: HBB (hemoglobin subunit beta; minus strand), LOC107133510 (origin of replication at HBB; plus strand), LOC110006319 (beta-globin gene 3' regulatory region; plus strand). Cytogenetic location: 11p15.4.
Variant type: single nucleotide variant.
Coding change: c.*47C>G on transcript NM_000518.5 (MANE Select); 47 bases downstream of the stop codon, C replaced by G.
Molecular consequence: 3 prime UTR variant.
Genome position (GRCh38, 1-based): chr11:5,225,551, G>C on the plus strand (C>G on the coding strand, the complement: HBB is on the minus strand). VCF-style: chr11-5225551-G-C. GRCh37 (hg19) VCF-style: chr11-5246781-G-C.
Identifiers: ClinVar variation 996256 (VCV000996256.2), dbSNP rs1158183534, ClinGen allele CA1949563917.

ClinVar aggregate classification (germline): Uncertain significance (1 of 4 stars; one submission).

Submission:

Women's Health and Genetics/Laboratory Corporation of America, LabCorp
Classification: Uncertain significance. Last evaluated: 2025-06-23. Review status: criteria provided, single submitter. Criteria: LabCorp Variant Classification Summary - May 2015. Collection method: clinical testing. Allele origin: germline.
Comment: Variant summary: HBB c.*47C>G involves the alteration of a non-conserved nucleotide located in the untranslated mRNA region downstream of the termination codon, not affecting the 'known' polyA tail signal. Several computational tools predict a significant impact on normal splicing: four predict the variant creates a 5' donor site. However, these predictions have yet to be confirmed by functional studies. The variant was absent in 251122 control chromosomes (gnomAD). The available data on variant occurrences in the general population are insufficient to allow any conclusion about variant significance. c.*47C>G has been reported in the literature in at least one individual affected with a mild beta-thalassaemia intermedia phenotype, who also carried a beta(0) HBB variant in trans (Ho_1998, Thein_1998). These data do not allow any conclusion about variant significance. At least one publication reported experimental evidence evaluating an impact on protein expression, and demonstrated that the variant results in a decreased expression efficiency, corresponding to about 70-80% of the expression of the wild type 3' UTR sequence (Hino_2012). The following publications have been ascertained in the context of this evaluation (PMID: 9450794, 22734587, 10872474). ClinVar contains an entry for this variant (Variation ID: 996256). Based on the evidence outlined above, the variant was classified as uncertain significance.

Literature cited by the submitters: PubMed 9450794; PubMed 22734587; PubMed 10872474.